The following is an entry in ClinVar:

ClinVar aggregate classification (germline): Uncertain significance. Review status: criteria provided, multiple submitters, no conflicts (2 of 4 stars). 7 submissions from 7 submitters: Uncertain significance (7). Last evaluated 2024-12-04.

Conditions:
Cardiomyopathy (CMYO). Also called: Cardiomyopathies. Identifiers: Orphanet 167848, MedGen C0878544, MONDO:0004994, HP:0001638. Inheritance: Various modes of inheritance.
Cardiovascular phenotype. Identifiers: MedGen CN230736.
Hypertrophic cardiomyopathy 16. Identifiers: MedGen C3151204, MONDO:0013455, OMIM 613838.
Hypertrophic cardiomyopathy. Also called: HYPERTROPHIC MYOCARDIOPATHY. Identifiers: Orphanet 217569, MedGen C0007194, MeSH D002312, MONDO:0005045, HP:0001639.

Allele frequency attached by ClinVar (database versions not stated): TOPMed 0.00001.
gnomAD v4.1: 102 of 1,613,692 alleles (0.0063%); highest among the groups gnomAD compares: Non-Finnish European, 0.0076%; no homozygotes.

Submissions (7):

Labcorp Genetics (formerly Invitae), Labcorp
Classification: Uncertain significance for Hypertrophic cardiomyopathy. Last evaluated: 2024-12-04. Review status: criteria provided, single submitter. Criteria: Invitae Variant Classification Sherloc (09022015). Collection method: clinical testing. Allele origin: germline.
Comment: This sequence change creates a premature translational stop signal (p.Ser101*) in the MYOZ2 gene. It is expected to result in an absent or disrupted protein product. However, the current clinical and genetic evidence is not sufficient to establish whether loss-of-function variants in MYOZ2 cause disease. This variant is present in population databases (rs138061447, gnomAD 0.01%). This premature translational stop signal has been observed in individual(s) with left ventricular hypertrophy (PMID: 31534214). ClinVar contains an entry for this variant (Variation ID: 191742). Algorithms developed to predict the effect of sequence changes on RNA splicing suggest that this variant may disrupt the consensus splice site. In summary, the available evidence is currently insufficient to determine the role of this variant in disease. Therefore, it has been classified as a Variant of Uncertain Significance.

Ambry Genetics
Classification: Uncertain significance for Cardiovascular phenotype. Last evaluated: 2024-09-10. Review status: criteria provided, single submitter. Criteria: Ambry Variant Classification Scheme 2023. Collection method: clinical testing. Allele origin: germline.
Comment: The p.S101* variant (also known as c.302C>A), located in coding exon 3 of the MYOZ2 gene, results from a C to A substitution at nucleotide position 302. This changes the amino acid from a serine to a stop codon within coding exon 3. This alteration is expected to result in loss of function by premature protein truncation or nonsense-mediated mRNA decay. However, loss of function of MYOZ2 has not been clearly established as a mechanism of disease. The evidence for this gene-disease relationship is limited; therefore, the clinical significance of this alteration is unclear.

Fulgent Genetics
Classification: Uncertain significance for Hypertrophic cardiomyopathy 16. Last evaluated: 2021-10-20. Review status: criteria provided, single submitter. Criteria: ACMG Guidelines, 2015. Collection method: clinical testing. Allele origin: unknown.

AiLife Diagnostics
Classification: Uncertain significance. Last evaluated: 2021-09-07. Review status: criteria provided, single submitter. Criteria: ACMG Guidelines, 2015. Collection method: clinical testing. Allele origin: germline. Affected: yes. Observed: 1 variant allele.

CHEO Genetics Diagnostic Laboratory, Children's Hospital of Eastern Ontario
Classification: Uncertain significance for Cardiomyopathy. Last evaluated: 2020-05-25. Review status: criteria provided, single submitter. Criteria: ACMG Guidelines, 2015. Collection method: clinical testing. Allele origin: germline.

GeneDx
Classification: Uncertain significance. Last evaluated: 2014-04-15. Review status: criteria provided, single submitter. Criteria: GeneDx Variant Classification (06012015). Collection method: clinical testing. Allele origin: germline. Affected: yes.
Comment: p.Ser101Stop (TCG>TAG): c.302 C>A in exon 4 of the MYOZ2 gene (NM_016599.4). A variant of unknown significance has been identified in the MYOZ2 gene. The S101X variant was not observed in approximately 6,500 individuals of European and African American ancestry in the NHLBI Exome Sequencing Project, indicating it is not a common benign variant in these populations. S101X is predicted to cause loss of normal protein function either by protein truncation or nonsense-mediated mRNA decay. However, the S101X sequence change in the MYOZ2 gene was reported as a variant of unknown significance (Ng et al., 2013). S101X was reported in one individual from 870 participants not selected for a clinical phenotype or family history of arrhythmia or cardiomyopathy, who underwent whole exome sequencing as part of the ClinSeq study (Ng et al., 2013). The authors piloted a method to identify incidental results in cardiomyopathy and arrhythmia-associated alleles and provided interpretation for these variants (Ng et al., 2013). The S101X variant was classified as a variant of unknown significance given that no loss-of-function mutations have been reported in the MYOZ2 gene in association with cardiomyopathy (Ng et al., 2013).Therefore, based on the currently available information, it is unclear whether this variant is a pathogenic mutation or a rare benign variant. This variant was found in CARDIOMYOPATHY

Biesecker Lab/Clinical Genomics Section, National Institutes of Health
Classification: Uncertain significance. Last evaluated: 2013-06-24. Review status: criteria provided, single submitter. Criteria: Ng et al. (Circ Cardiovasc Genet. 2013). Collection method: research. Allele origin: unknown. Observed: 1 variant allele. Study: ClinSeq.
Comment: The study set was not selected for affection status in relation to any cancer. Pathogenicity categories were based on literature curation. See Pubmed ID:23861362 for details.

Medical sequencing

Literature cited by the submitters: PubMed 31534214 (cited by Labcorp Genetics (formerly Invitae), Labcorp and AiLife Diagnostics); PubMed 23861362 (cited by Ambry Genetics).

NM_016599.5(MYOZ2):c.302C>A (p.Ser101Ter)

Gene: MYOZ2 (myozenin 2; plus strand). Cytogenetic location: 4q26.
Variant type: single nucleotide variant.
Coding change: c.302C>A on transcript NM_016599.5 (MANE Select); coding-DNA position 302, C replaced by A.
Protein change: p.Ser101Ter; replaces serine 101 with a stop codon.
Molecular consequence: nonsense.
Genome position (GRCh38, 1-based): chr4:119,158,077, C>A. VCF-style: chr4-119158077-C-A. GRCh37 (hg19) VCF-style: chr4-120079232-C-A.
Other names: p.S101*:TCG>TAG; short protein forms S101*.
Identifiers: ClinVar variation 191742 (VCV000191742.16), dbSNP rs138061447, ClinGen allele CA237424.